The following is an entry in ClinVar:

ClinVar aggregate classification (germline): Pathogenic (0 of 4 stars; one submission).

Conditions:
Pulmonary hypertension, primary, 1 (PPH1). Also called: Pulmonary hypertension, familial primary, 1, with or without HHT. Identifiers: Orphanet 422, MedGen C4552070, MONDO:0024533, OMIM 178600.

Submission:

Rare Disease Genomics Group, St George's University of London
Classification: Pathogenic for Primary pulmonary hypertension. Review status: no assertion criteria provided. Collection method: literature only. Allele origin: germline. Affected: yes.
Comment: Deletion of exons 4-13

Literature cited by the submitters: PubMed 21801371.

NM_001204.6(BMPR2):c.(418+1_419-1)_(*1_?)del

Genes: BMPR2 (bone morphogenetic protein receptor type 2; plus strand), LOC129935436 (ATAC-STARR-seq lymphoblastoid silent region 12245; plus strand). Cytogenetic location: 2q33.1-33.2.
Variant type: Deletion.
Coding change: c.(418+1_419-1)_(*1_?)del on transcript NM_001204.6; a large deletion whose breakpoints are not mapped to the base.
Other names: c.419-?_3117+?del (NM_001204.6); c.(418+1_419-1)_(*1_?)del (LRG_712t1).
Identifiers: ClinVar variation 425789 (VCV000425789.1).